The following is an entry in ClinVar:

NM_001377.3(DYNC2H1):c.3735C>T (p.Ala1245=)

Gene: DYNC2H1 (dynein cytoplasmic 2 heavy chain 1; plus strand). Cytogenetic location: 11q22.3.
Variant type: single nucleotide variant.
Coding change: c.3735C>T on transcript NM_001377.3 (MANE Select); coding-DNA position 3735, C replaced by T.
Protein change: p.Ala1245=; no amino-acid change (alanine 1245 retained).
Molecular consequence: synonymous variant.
Genome position (GRCh38, 1-based): chr11:103,155,492, C>T. VCF-style: chr11-103155492-C-T. GRCh37 (hg19) VCF-style: chr11-103026221-C-T.
Other names: c.3735C>T, p.Ala1245= (NM_001080463.2).
Identifiers: ClinVar variation 302030 (VCV000302030.16), dbSNP rs377584612, ClinGen allele CA6253380.

ClinVar aggregate classification (germline): Conflicting classifications of pathogenicity. Review status: criteria provided, conflicting classifications (1 of 4 stars). 5 submissions from 5 submitters: Uncertain significance (1); Benign (1); Likely benign (2). 1 of the submissions does not count toward it. Last evaluated 2026-01-21.

Conditions:
DYNC2H1-related disorder. Also called: DYNC2H1-related condition; DYNC2H1-related disorders. Identifiers: MedGen CN378770.
Jeune thoracic dystrophy. Also called: Infantile thoracic dystrophy; Thoracic pelvic phalangeal dystrophy; Jeune's syndrome; Chondroectodermal dysplasia-like syndrome; Short-rib thoracic dysplasia; Jeune syndrome. Identifiers: Orphanet 474, MedGen C0265275, MONDO:0018770.
Asphyxiating thoracic dystrophy 3. Also called: SHORT-RIB THORACIC DYSPLASIA 3 WITH OR WITHOUT POLYDACTYLY; POLYDACTYLY WITH NEONATAL CHONDRODYSTROPHY, TYPE I; SHORT-RIB THORACIC DYSPLASIA 3/6 WITH POLYDACTYLY, DIGENIC; Short rib polydactyly syndrome 2B; Saldino-Noonan Syndrome. Identifiers: Orphanet 474, Orphanet 93269, Orphanet 93270, Orphanet 93271, MedGen C0036069, MONDO:0013127, OMIM 613091.

Allele frequency attached by ClinVar (database versions not stated): gnomAD exomes 0.00009 and 0.00018; ExAC 0.00017; gnomAD 0.00021 and 0.00022; TOPMed 0.00028; ESP Exome Variant Server 0.00034.
gnomAD v4.1: 169 of 1,607,076 alleles (0.011%); highest among the groups gnomAD compares: African/African-American, 0.066%; 3 homozygotes.

Submissions (5):

Labcorp Genetics (formerly Invitae), Labcorp
Classification: Benign for Jeune thoracic dystrophy. Last evaluated: 2026-01-21. Review status: criteria provided, single submitter. Criteria: Invitae Variant Classification Sherloc (09022015). Collection method: clinical testing. Allele origin: germline.

Blueprint Genetics
Classification: Likely benign. Last evaluated: 2024-09-20. Review status: criteria provided, single submitter. Criteria: ACMG Guidelines, 2015. Collection method: clinical testing. Allele origin: germline.

Illumina Laboratory Services, Illumina
Classification: Uncertain significance for Asphyxiating thoracic dystrophy 3. Last evaluated: 2018-01-13. Review status: criteria provided, single submitter. Criteria: ICSL Variant Classification Criteria 13 December 2019. Collection method: clinical testing. Allele origin: germline.

GeneDx
Classification: Likely benign. Last evaluated: 2017-09-08. Review status: criteria provided, single submitter. Criteria: GeneDx Variant Classification (06012015). Collection method: clinical testing. Allele origin: germline. Affected: yes.
Comment: This variant is considered likely benign or benign based on one or more of the following criteria: it is a conservative change, it occurs at a poorly conserved position in the protein, it is predicted to be benign by multiple in silico algorithms, and/or has population frequency not consistent with disease.

PreventionGenetics, part of Exact Sciences
Classification: Likely benign for DYNC2H1-related condition. Last evaluated: 2019-11-06. Review status: no assertion criteria provided. Collection method: clinical testing. Allele origin: germline. Not counted in ClinVar's aggregate classification.
Comment: This variant is classified as likely benign based on ACMG/AMP sequence variant interpretation guidelines (Richards et al. 2015 PMID: 25741868, with internal and published modifications).